The following is an entry in ClinVar:

ClinVar aggregate classification (germline): Uncertain significance (1 of 4 stars; one submission).

Conditions:
ICE1-related disorder. Also called: ICE1-related condition.

gnomAD v4.1: 2 of 1,613,962 alleles (0.00012%); highest among the groups gnomAD compares: Non-Finnish European, 0.00017%; no homozygotes.

Submission:

PreventionGenetics, part of Exact Sciences
Classification: Uncertain significance for ICE1-related condition. Last evaluated: 2024-10-28. Review status: criteria provided, single submitter. Criteria: ACMG Guidelines, 2015. Collection method: clinical testing. Allele origin: germline.
Comment: The ICE1 c.5092C>G variant is predicted to result in the amino acid substitution p.Pro1698Ala. To our knowledge, this variant has not been reported in the literature. This variant is reported in 0.00089% of alleles in individuals of European (Non-Finnish) descent in gnomAD. At this time, the clinical significance of this variant is uncertain due to the absence of conclusive functional and genetic evidence.

NM_015325.3(ICE1):c.5092C>G (p.Pro1698Ala)

Gene: ICE1 (interactor of little elongation complex ELL subunit 1; plus strand). Cytogenetic location: 5p15.32.
Variant type: single nucleotide variant.
Coding change: c.5092C>G on transcript NM_015325.3 (MANE Select); coding-DNA position 5092, C replaced by G.
Protein change: p.Pro1698Ala; replaces proline 1698 with alanine.
Molecular consequence: missense variant.
Genome position (GRCh38, 1-based): chr5:5,464,426, C>G. VCF-style: chr5-5464426-C-G. GRCh37 (hg19) VCF-style: chr5-5464539-C-G.
Other names: short protein forms P1698A.
Identifiers: ClinVar variation 4997893 (VCV004997893.1).